The following is an entry in ClinVar:

ClinVar aggregate classification (germline): Pathogenic/Likely pathogenic. Review status: criteria provided, multiple submitters, no conflicts (2 of 4 stars). 2 submissions from 2 submitters: Pathogenic (1); Likely pathogenic (1). Last evaluated 2025-07-06.

Conditions:
Aicardi-Goutieres syndrome 5. Identifiers: Orphanet 51, MedGen C2749659, MONDO:0013059, OMIM 612952.
SAMHD1-related disorder. Also called: SAMHD1-related condition.

Allele frequency attached by ClinVar (database versions not stated): gnomAD exomes below 0.00001.
gnomAD v4.1: 3 of 1,614,166 alleles (0.00019%); highest among the groups gnomAD compares: Non-Finnish European, 0.00025%; no homozygotes.

Submissions (2):

Labcorp Genetics (formerly Invitae), Labcorp
Classification: Pathogenic for Aicardi-Goutieres syndrome 5. Last evaluated: 2025-07-06. Review status: criteria provided, single submitter. Criteria: Invitae Variant Classification Sherloc (09022015). Collection method: clinical testing. Allele origin: germline.
Comment: This sequence change creates a premature translational stop signal (p.Gln49*) in the SAMHD1 gene. It is expected to result in an absent or disrupted protein product. Loss-of-function variants in SAMHD1 are known to be pathogenic (PMID: 19525956, 22461318). This variant is not present in population databases (gnomAD no frequency). This variant has not been reported in the literature in individuals affected with SAMHD1-related conditions. ClinVar contains an entry for this variant (Variation ID: 2633437). For these reasons, this variant has been classified as Pathogenic.

PreventionGenetics, part of Exact Sciences
Classification: Likely pathogenic for SAMHD1-related condition. Last evaluated: 2023-03-10. Review status: criteria provided, single submitter. Criteria: ACMG Guidelines, 2015. Collection method: clinical testing. Allele origin: germline.
Comment: The SAMHD1 c.145C>T variant is predicted to result in premature protein termination (p.Gln49*). To our knowledge, this variant has not been reported in the literature or in a large population database, indicating this variant is rare. Nonsense variants in SAMHD1 are expected to be pathogenic. This variant is interpreted as likely pathogenic.

Literature cited by the submitters: PubMed 19525956 (cited by Labcorp Genetics (formerly Invitae), Labcorp); PubMed 22461318 (cited by Labcorp Genetics (formerly Invitae), Labcorp).

NM_015474.4(SAMHD1):c.145C>T (p.Gln49Ter)

Gene: SAMHD1 (SAM and HD domain containing deoxynucleoside triphosphate triphosphohydrolase 1; minus strand). Cytogenetic location: 20q11.23.
Variant type: single nucleotide variant.
Coding change: c.145C>T on transcript NM_015474.4 (MANE Select); coding-DNA position 145, C replaced by T.
Protein change: p.Gln49Ter; replaces glutamine 49 with a stop codon.
Molecular consequence: nonsense.
Genome position (GRCh38, 1-based): chr20:36,951,499, G>A on the plus strand (C>T on the coding strand, the complement: SAMHD1 is on the minus strand). VCF-style: chr20-36951499-G-A. GRCh37 (hg19) VCF-style: chr20-35579902-G-A.
Other names: c.145C>T, p.Gln49Ter (NM_001363729.2, NM_001363733.2); short protein forms Q49*.
Identifiers: ClinVar variation 2633437 (VCV002633437.2), dbSNP rs2515286035, ClinGen allele CA408832181.
Genomic context (GRCh38, chr20:36,951,499, plus strand): 5'-GGATGTTCTTCAGCAGCACCGGCTCTTCAAAGCCACCGCGCCTGAGGAAGGAGCACACCT[G>A]CTCCGGACCCCATGTCTTGTAGTCGGGATGGAGTTCCAGGCCCGGGGACCAGTCTGCCTC-3'